The following is an entry in ClinVar:

ClinVar aggregate classification (germline): Uncertain significance (1 of 4 stars; one submission).

Conditions:
Amyotrophic lateral sclerosis type 21. Also called: MYOPATHY, DISTAL, 2; VOCAL CORD AND PHARYNGEAL DYSFUNCTION WITH DISTAL MYOPATHY. Identifiers: Orphanet 600, Orphanet 803, MedGen C3807521, MONDO:0011632, OMIM 606070.

gnomAD v4.1: 2 of 1,614,154 alleles (0.00012%); highest among the groups gnomAD compares: Non-Finnish European, 0.00017%; no homozygotes.

Submission:

Labcorp Genetics (formerly Invitae), Labcorp
Classification: Uncertain significance for Amyotrophic lateral sclerosis type 21. Last evaluated: 2025-09-01. Review status: criteria provided, single submitter. Criteria: Invitae Variant Classification Sherloc (09022015). Collection method: clinical testing. Allele origin: germline.
Comment: This sequence change replaces glycine, which is neutral and non-polar, with aspartic acid, which is acidic and polar, at codon 685 of the MATR3 protein (p.Gly685Asp). This variant is present in population databases (rs755642199, gnomAD 0.003%). This variant has not been reported in the literature in individuals affected with MATR3-related conditions. Invitae Evidence Modeling of protein sequence and biophysical properties (such as structural, functional, and spatial information, amino acid conservation, physicochemical variation, residue mobility, and thermodynamic stability) indicates that this missense variant is not expected to disrupt MATR3 protein function with a negative predictive value of 80%. In summary, the available evidence is currently insufficient to determine the role of this variant in disease. Therefore, it has been classified as a Variant of Uncertain Significance.

NM_018834.6(MATR3):c.2054G>A (p.Gly685Asp)

Genes: MATR3 (matrin 3; plus strand), LOC126807526 (CDK7 strongly-dependent group 2 enhancer GRCh37_chr5:138657767-138658966; plus strand). Cytogenetic location: 5q31.2.
Variant type: single nucleotide variant.
Coding change: c.2054G>A on transcript NM_018834.6 (MANE Select); coding-DNA position 2054, G replaced by A.
Protein change: p.Gly685Asp; replaces glycine 685 with aspartic acid.
Molecular consequence: missense variant.
Genome position (GRCh38, 1-based): chr5:139,322,873, G>A. VCF-style: chr5-139322873-G-A. GRCh37 (hg19) VCF-style: chr5-138658562-G-A.
Other names: c.2054G>A, p.Gly685Asp (NM_001194955.2, NM_001400441.1, NM_001400442.1 and 16 more transcripts); c.1190G>A, p.Gly397Asp (NM_001194956.2); c.1040G>A, p.Gly347Asp (NM_001282278.2, NM_001400460.1, NM_001400462.1 and 5 more transcripts); c.1193G>A, p.Gly398Asp (NM_001400459.1); c.1154G>A, p.Gly385Asp (NM_001400461.1); short protein forms G347D, G398D, G685D, G397D, G385D.
Identifiers: ClinVar variation 4736871 (VCV004736871.1).
Genomic context (GRCh38, chr5:139,322,873, plus strand): 5'-CAGCAGCACTGCTAGAAAGTGGCAGTTCAGTGGGAGACGAGACCGATCTTGCTAATTTAG[G>A]TGATGTGGCTTCTGATGGGAAAAAGGAACCATCAGATAAAGCTGTGAAAAAAGATGGAAG-3'
Protein context (NP_061322.2, residues 675-695): VGDETDLANL[Gly685Asp]DVASDGKKEP